The following is an entry in ClinVar:

NM_015001.3(SPEN):c.4910T>C (p.Val1637Ala)

Gene: SPEN (spen family transcriptional repressor; plus strand). Cytogenetic location: 1p36.13.
Variant type: single nucleotide variant.
Coding change: c.4910T>C on transcript NM_015001.3 (MANE Select); coding-DNA position 4910, T replaced by C.
Protein change: p.Val1637Ala; replaces valine 1637 with alanine.
Molecular consequence: missense variant.
Genome position (GRCh38, 1-based): chr1:15,931,150, T>C. VCF-style: chr1-15931150-T-C. GRCh37 (hg19) VCF-style: chr1-16257645-T-C.
Other names: short protein forms V1637A.
Identifiers: ClinVar variation 777885 (VCV000777885.6), dbSNP rs116547444, ClinGen allele CA619638.

ClinVar aggregate classification (germline): Benign. Review status: criteria provided, multiple submitters, no conflicts (2 of 4 stars). 3 submissions from 3 submitters: Benign (2). 1 of the submissions does not count toward it. Last evaluated 2017-05-30.

Conditions:
SPEN-related disorder. Also called: SPEN-related condition.

Allele frequency attached by ClinVar (database versions not stated): gnomAD exomes 0.00119 and 0.00301; ExAC 0.00360; gnomAD 0.01130 and 0.01206; ESP Exome Variant Server 0.01199; 1000 Genomes Project 0.01258; TOPMed 0.01265; 1000 Genomes Project 30x 0.01405.
gnomAD v4.1: 3,530 of 1,614,202 alleles (0.22%); highest among the groups gnomAD compares: African/African-American, 3.9%; 68 homozygotes.

Submissions (3):

Labcorp Genetics (formerly Invitae), Labcorp
Classification: Benign. Last evaluated: 2017-05-30. Review status: criteria provided, single submitter. Criteria: Invitae Variant Classification Sherloc (09022015). Collection method: clinical testing. Allele origin: germline.

Breakthrough Genomics
Classification: Benign. Review status: criteria provided, single submitter. Criteria: ACMG Guidelines, 2015. Collection method: not provided. Allele origin: germline. Inheritance: Autosomal dominant inheritance. Affected: yes.

PreventionGenetics, part of Exact Sciences
Classification: Benign for SPEN-related condition. Last evaluated: 2023-03-27. Review status: no assertion criteria provided. Collection method: clinical testing. Allele origin: germline. Not counted in ClinVar's aggregate classification.
Comment: This variant is classified as benign based on ACMG/AMP sequence variant interpretation guidelines (Richards et al. 2015 PMID: 25741868, with internal and published modifications).